The following is an entry in ClinVar:

ClinVar aggregate classification (germline): Uncertain significance. Review status: criteria provided, multiple submitters, no conflicts (2 of 4 stars). 2 submissions from 2 submitters: Uncertain significance (2). Last evaluated 2023-05-05.

Allele frequency attached by ClinVar (database versions not stated): gnomAD 0.00003; TOPMed 0.00003.

Submissions (2):

Ambry Genetics
Classification: Uncertain significance. Last evaluated: 2023-05-05. Review status: criteria provided, single submitter. Criteria: Ambry Variant Classification Scheme 2023. Collection method: clinical testing. Allele origin: germline.

Labcorp Genetics (formerly Invitae), Labcorp
Classification: Uncertain significance. Last evaluated: 2022-06-08. Review status: criteria provided, single submitter. Criteria: Invitae Variant Classification Sherloc (09022015). Collection method: clinical testing. Allele origin: germline.
Comment: In summary, the available evidence is currently insufficient to determine the role of this variant in disease. Therefore, it has been classified as a Variant of Uncertain Significance. Algorithms developed to predict the effect of missense changes on protein structure and function output the following: SIFT: "Not Available"; PolyPhen-2: "Benign"; Align-GVGD: "Not Available". The glutamic acid amino acid residue is found in multiple mammalian species, which suggests that this missense change does not adversely affect protein function. This variant has not been reported in the literature in individuals affected with HYOU1-related conditions. This variant is present in population databases (rs782191501, gnomAD 0.0009%). This sequence change replaces aspartic acid, which is acidic and polar, with glutamic acid, which is acidic and polar, at codon 592 of the HYOU1 protein (p.Asp592Glu).

NM_006389.5(HYOU1):c.1776T>G (p.Asp592Glu)

Gene: HYOU1 (hypoxia up-regulated 1; minus strand). Cytogenetic location: 11q23.3.
Variant type: single nucleotide variant.
Coding change: c.1776T>G on transcript NM_006389.5 (MANE Select); coding-DNA position 1776, T replaced by G.
Protein change: p.Asp592Glu; replaces aspartic acid 592 with glutamic acid.
Molecular consequence: missense variant.
Genome position (GRCh38, 1-based): chr11:119,049,586, A>C on the plus strand (T>G on the coding strand, the complement: HYOU1 is on the minus strand). VCF-style: chr11-119049586-A-C. GRCh37 (hg19) VCF-style: chr11-118920298-A-C.
Other names: c.1776T>G (NM_006389.3); c.1776T>G, p.Asp592Glu (NM_001130991.3, NM_001411041.1); short protein forms D592E.
Identifiers: ClinVar variation 1959116 (VCV001959116.7), dbSNP rs782191501, ClinGen allele CA229620354.